The following is an entry in ClinVar:

ClinVar aggregate classification (germline): Uncertain significance (0 of 4 stars; one submission).

Conditions:
Prostate cancer. Also called: Malignant tumor of prostate. Identifiers: Orphanet 1331, MedGen C0376358, MONDO:0008315, HP:0012125.

Submission:

Science for Life laboratory,  Karolinska Institutet
Classification: Uncertain significance for Malignant tumor of prostate. Review status: no assertion criteria provided. Collection method: not provided. Allele origin: somatic.
Comment: TumorID:SWE-1
ClinVar note: Converted during submission from Unknown to Uncertain significance.

NM_194302.4(CFAP65):c.542+58del

Gene: CFAP65 (cilia and flagella associated protein 65; minus strand). Cytogenetic location: 2q35.
Variant type: Deletion.
Coding change: c.542+58del on transcript NM_194302.4 (MANE Select); 58 bases into the intron after coding-DNA position 542, one base deleted (T; older notation c.542+58delT).
Molecular consequence: intron variant. On other transcripts: frameshift variant (1).
Genome position (GRCh38, 1-based): chr2:219,035,422, A deleted on the plus strand (T on the coding strand, the reverse complement: CFAP65 is on the minus strand). VCF-style (leftmost placement, unchanged base first): chr2-219035421-GA-G. GRCh37 (hg19) VCF-style: chr2-219900143-GA-G.
Other names: c.405del, p.Leu136fs (NM_152389.4); c.509+58del (NM_001278295.1); c.347+58del (NM_001278296.2); short protein forms L136fs.
Identifiers: ClinVar variation 161813 (VCV000161813.2), dbSNP rs193920770, ClinGen allele CA174835.